The following is an entry in ClinVar:

NM_001354604.2(MITF):c.384G>C (p.Lys128Asn)

Gene: MITF (melanocyte inducing transcription factor; plus strand). Cytogenetic location: 3p13.
Variant type: single nucleotide variant.
Coding change: c.384G>C on transcript NM_001354604.2 (MANE Select); coding-DNA position 384, G replaced by C.
Protein change: p.Lys128Asn; replaces lysine 128 with asparagine.
Molecular consequence: missense variant.
Genome position (GRCh38, 1-based): chr3:69,937,851, G>C. VCF-style: chr3-69937851-G-C. GRCh37 (hg19) VCF-style: chr3-69987002-G-C.
Other names: c.63G>C, p.Lys21Asn (NM_000248.4, NM_001184968.2, NM_198158.3 and 1 more transcripts); c.228G>C, p.Lys76Asn (NM_001184967.2, NM_001354608.2); c.381G>C, p.Lys127Asn (NM_001354605.2, NM_001354606.2, NM_006722.3); c.333G>C, p.Lys111Asn (NM_001354607.2); c.384G>C, p.Lys128Asn (NM_198159.3); c.336G>C, p.Lys112Asn (NM_198177.3); short protein forms K112N, K111N, K128N, K21N, K76N, K127N.
Identifiers: ClinVar variation 3873209 (VCV003873209.1).

ClinVar aggregate classification (germline): Uncertain significance (1 of 4 stars; one submission).

Conditions:
Hereditary cancer-predisposing syndrome. Also called: Tumor predisposition; Neoplastic Syndromes, Hereditary; Hereditary Cancer Syndrome; Hereditary neoplastic syndrome. Identifiers: Orphanet 140162, MedGen C0027672, MeSH D009386, MONDO:0015356.

gnomAD v4.1: 4 of 1,614,032 alleles (0.00025%); highest among the groups gnomAD compares: Non-Finnish European, 0.00025%; no homozygotes.

Submission:

Ambry Genetics
Classification: Uncertain significance for Hereditary cancer-predisposing syndrome. Last evaluated: 2024-12-21. Review status: criteria provided, single submitter. Criteria: Ambry Variant Classification Scheme 2023. Collection method: clinical testing. Allele origin: germline.
Comment: The p.K21N variant (also known as c.63G>C), located in coding exon 2 of the MITF gene, results from a G to C substitution at nucleotide position 63. The lysine at codon 21 is replaced by asparagine, an amino acid with similar properties. This amino acid position is conserved. In addition, this alteration is predicted to be tolerated by in silico analysis. Based on the available evidence, the clinical significance of this variant remains unclear.